The following is an entry in ClinVar:

NM_000038.6(APC):c.6601G>A (p.Gly2201Arg)

Gene: APC (APC regulator of Wnt signaling pathway; plus strand). Cytogenetic location: 5q22.2.
Variant type: single nucleotide variant.
Coding change: c.6601G>A on transcript NM_000038.6 (MANE Select); coding-DNA position 6601, G replaced by A.
Protein change: p.Gly2201Arg; replaces glycine 2201 with arginine.
Molecular consequence: missense variant.
Genome position (GRCh38, 1-based): chr5:112,842,195, G>A. VCF-style: chr5-112842195-G-A. GRCh37 (hg19) VCF-style: chr5-112177892-G-A.
Other names: c.6601G>A, p.Gly2201Arg (NM_001127510.3, NM_001354895.2); c.6547G>A, p.Gly2183Arg (NM_001127511.3); c.6655G>A, p.Gly2219Arg (NM_001354896.2); c.6631G>A, p.Gly2211Arg (NM_001354897.2); c.6526G>A, p.Gly2176Arg (NM_001354898.2); c.6517G>A, p.Gly2173Arg (NM_001354899.2); c.6478G>A, p.Gly2160Arg (NM_001354900.2); c.6424G>A, p.Gly2142Arg (NM_001354901.2); and 5 more; short protein forms G2160R, G2201R, G2041R, G2075R, G2219R, G2110R, G2173R, G1918R.
Identifiers: ClinVar variation 1448677 (VCV001448677.13), dbSNP rs753573633, ClinGen allele CA045466.

ClinVar aggregate classification (germline): Conflicting classifications of pathogenicity. Review status: criteria provided, conflicting classifications (1 of 4 stars). 6 submissions from 6 submitters: Uncertain significance (4); Likely benign (2). Last evaluated 2025-11-11.

Conditions:
Familial adenomatous polyposis 1 (FAP1). Also called: FAMILIAL ADENOMATOUS POLYPOSIS 1, ATTENUATED; POLYPOSIS, ADENOMATOUS INTESTINAL. Identifiers: MedGen C2713442, MONDO:0021056, OMIM 175100. Disease mechanism: loss of function.
Hereditary cancer-predisposing syndrome. Also called: Hereditary Cancer Syndrome; Hereditary neoplastic syndrome; Neoplastic Syndromes, Hereditary; Tumor predisposition. Identifiers: Orphanet 140162, MedGen C0027672, MeSH D009386, MONDO:0015356.

Allele frequency attached by ClinVar (database versions not stated): TOPMed below 0.00001; gnomAD 0.00001; gnomAD exomes 0.00002; ExAC 0.00003.
gnomAD v4.1: 11 of 1,613,106 alleles (0.00068%); highest among the groups gnomAD compares: Non-Finnish European, 0.00093%; no homozygotes.

Submissions (6):

Labcorp Genetics (formerly Invitae), Labcorp
Classification: Uncertain significance for Familial adenomatous polyposis 1. Last evaluated: 2025-11-11. Review status: criteria provided, single submitter. Criteria: Invitae Variant Classification Sherloc (09022015). Collection method: clinical testing. Allele origin: germline.
Comment: This sequence change replaces glycine, which is neutral and non-polar, with arginine, which is basic and polar, at codon 2201 of the APC protein (p.Gly2201Arg). This variant is present in population databases (rs753573633, gnomAD 0.005%). This variant has not been reported in the literature in individuals affected with APC-related conditions. ClinVar contains an entry for this variant (Variation ID: 1448677). Invitae Evidence Modeling of protein sequence and biophysical properties (such as structural, functional, and spatial information, amino acid conservation, physicochemical variation, residue mobility, and thermodynamic stability) indicates that this missense variant is not expected to disrupt APC protein function with a negative predictive value of 95%. RNA analysis performed to evaluate the impact of this missense change on mRNA splicing indicates it does not significantly alter splicing (internal data). In summary, the available evidence is currently insufficient to determine the role of this variant in disease. Therefore, it has been classified as a Variant of Uncertain Significance.

Quest Diagnostics Nichols Institute San Juan Capistrano
Classification: Uncertain significance. Last evaluated: 2025-09-04. Review status: criteria provided, single submitter. Criteria: Quest Diagnostics criteria. Collection method: clinical testing. Allele origin: unknown.
Comment: The APC c.6601G>A (p.Gly2201Arg) variant has been reported in the published literature in a patient with gastrointestinal tumor (PMID: 39284955 (2024)). The frequency of this variant in the general population (Genome Aggregation Database) is uninformative in the assessment of its pathogenicity. Analysis of this variant using bioinformatics tools for the prediction of the effect of amino acid changes on protein structure and function yielded predictions that this variant is damaging. Based on the available information, we are unable to determine the clinical significance of this variant.

Center for Genomic Medicine, Rigshospitalet, Copenhagen University Hospital
Classification: Likely benign. Last evaluated: 2025-03-04. Review status: criteria provided, single submitter. Criteria: ACMG Guidelines, 2015. Collection method: clinical testing. Allele origin: germline.

Color Diagnostics, LLC DBA Color Health
Classification: Uncertain significance for Hereditary cancer-predisposing syndrome. Last evaluated: 2025-01-14. Review status: criteria provided, single submitter. Criteria: ACMG Guidelines, 2015. Collection method: clinical testing. Allele origin: germline.
Comment: This missense variant replaces glycine with arginine at codon 2201 of the APC protein. Computational prediction is inconclusive regarding the impact of this variant on protein structure and function (internally defined REVEL score threshold 0.5 < inconclusive < 0.7, PMID: 27666373). To our knowledge, functional studies have not been reported for this variant. This variant has not been reported in individuals affected with APC-related disorders in the literature. This variant has been identified in 5/249128 chromosomes in the general population by the Genome Aggregation Database (gnomAD). The available evidence is insufficient to determine the role of this variant in disease conclusively. Therefore, this variant is classified as a Variant of Uncertain Significance.

Baylor Genetics
Classification: Uncertain significance for Familial adenomatous polyposis 1. Last evaluated: 2024-02-28. Review status: criteria provided, single submitter. Criteria: ACMG Guidelines, 2015. Collection method: clinical testing. Allele origin: unknown.

Ambry Genetics
Classification: Likely benign for Hereditary cancer-predisposing syndrome. Last evaluated: 2022-04-11. Review status: criteria provided, single submitter. Criteria: Ambry Variant Classification Scheme 2023. Collection method: clinical testing. Allele origin: germline.

Literature cited by the submitters: PubMed 33020649 (cited by Quest Diagnostics Nichols Institute San Juan Capistrano); PubMed 39284955 (cited by Quest Diagnostics Nichols Institute San Juan Capistrano).